The following is an entry in ClinVar:

NM_001035.3(RYR2):c.11356del (p.Asp3786fs)

Gene: RYR2 (ryanodine receptor 2; plus strand). Cytogenetic location: 1q43.
Variant type: Deletion.
Coding change: c.11356del on transcript NM_001035.3 (MANE Select); coding-DNA position 11356, one base deleted (G; older notation c.11356delG).
Protein change: p.Asp3786fs; shifts the reading frame from aspartic acid 3786.
Molecular consequence: frameshift variant.
Genome position (GRCh38, 1-based): chr1:237,759,806, G deleted; the last of 2 consecutive G bases (chr1:237,759,805-237,759,806); deleting either gives the same sequence. VCF-style (leftmost placement, unchanged base first): chr1-237759804-AG-A. GRCh37 (hg19) VCF-style: chr1-237923104-AG-A.
Other names: short protein forms D3786fs.
Identifiers: ClinVar variation 4999766 (VCV004999766.1).

ClinVar aggregate classification (germline): Uncertain significance (1 of 4 stars; one submission).

Conditions:
RYR2-related disorder. Also called: RYR2-related condition.

Submission:

PreventionGenetics, part of Exact Sciences
Classification: Uncertain significance for RYR2-related condition. Last evaluated: 2025-02-13. Review status: criteria provided, single submitter. Criteria: ACMG Guidelines, 2015. Collection method: clinical testing. Allele origin: germline.
Comment: The RYR2 c.11356delG variant is predicted to result in a frameshift and premature protein termination (p.Asp3786Metfs*11). To our knowledge, this variant has not been reported in the literature or in a large population database (gnomAD), indicating this variant is rare. To date, loss of function has not been established as a disease mechanism for RYR2-associated diseases. Although we suspect that this variant may be pathogenic, at this time, the clinical significance of this variant is uncertain due to the absence of conclusive functional and genetic evidence.